The following is an entry in ClinVar:

NM_004667.6(HERC2):c.11554G>C (p.Ala3852Pro)

Gene: HERC2 (HECT and RLD domain containing E3 ubiquitin protein ligase 2; minus strand). Cytogenetic location: 15q13.1.
Variant type: single nucleotide variant.
Coding change: c.11554G>C on transcript NM_004667.6 (MANE Select); coding-DNA position 11554, G replaced by C.
Protein change: p.Ala3852Pro; replaces alanine 3852 with proline.
Molecular consequence: missense variant.
Genome position (GRCh38, 1-based): chr15:28,142,384, C>G on the plus strand (G>C on the coding strand, the complement: HERC2 is on the minus strand). VCF-style: chr15-28142384-C-G. GRCh37 (hg19) VCF-style: chr15-28387530-C-G.
Other names: short protein forms A3852P.
Identifiers: ClinVar variation 3364243 (VCV003364243.1).

ClinVar aggregate classification (germline): Uncertain significance (1 of 4 stars; one submission).

Submission:

GeneDx
Classification: Uncertain significance. Last evaluated: 2023-11-16. Review status: criteria provided, single submitter. Criteria: GeneDx Variant Classification Process June 2021. Collection method: clinical testing. Allele origin: germline. Affected: yes.
Comment: Not observed at significant frequency in large population cohorts (gnomAD); In silico analysis supports that this missense variant has a deleterious effect on protein structure/function; Has not been previously published as pathogenic or benign to our knowledge